The following is an entry in ClinVar:

ClinVar aggregate classification (germline): Uncertain significance (1 of 4 stars; one submission).

Conditions:
Jeune thoracic dystrophy. Also called: Jeune syndrome; Infantile thoracic dystrophy; Thoracic pelvic phalangeal dystrophy; Jeune's syndrome; Chondroectodermal dysplasia-like syndrome; Short-rib thoracic dysplasia. Identifiers: Orphanet 474, MedGen C0265275, MONDO:0018770.

Allele frequency attached by ClinVar (database versions not stated): gnomAD exomes below 0.00001 and 0.00001; gnomAD 0.00001; ExAC 0.00002; TOPMed 0.00002; ESP Exome Variant Server 0.00008.
gnomAD v4.1: 2 of 1,612,310 alleles (0.00012%); highest among the groups gnomAD compares: East Asian, 0.0022%; no homozygotes.

Submission:

Labcorp Genetics (formerly Invitae), Labcorp
Classification: Uncertain significance for Jeune thoracic dystrophy. Last evaluated: 2021-08-09. Review status: criteria provided, single submitter. Criteria: Invitae Variant Classification Sherloc (09022015). Collection method: clinical testing. Allele origin: germline.
Comment: This sequence change replaces threonine with arginine at codon 537 of the IFT80 protein (p.Thr537Arg). The threonine residue is weakly conserved and there is a moderate physicochemical difference between threonine and arginine. This variant is present in population databases (rs149274965, ExAC 0.02%). This variant has not been reported in the literature in individuals affected with IFT80-related conditions. Algorithms developed to predict the effect of missense changes on protein structure and function (SIFT, PolyPhen-2, Align-GVGD) all suggest that this variant is likely to be tolerated. Algorithms developed to predict the effect of sequence changes on RNA splicing suggest that this variant may create or strengthen a splice site. In summary, the available evidence is currently insufficient to determine the role of this variant in disease. Therefore, it has been classified as a Variant of Uncertain Significance.

NM_020800.3(IFT80):c.1610C>G (p.Thr537Arg)

Genes: TRIM59-IFT80 (TRIM59-IFT80 readthrough (NMD candidate); minus strand), IFT80 (intraflagellar transport 80; minus strand). Cytogenetic location: 3q25.33.
Variant type: single nucleotide variant.
Coding change: c.1610C>G on transcript NM_020800.3 (MANE Select); coding-DNA position 1610, C replaced by G.
Protein change: p.Thr537Arg; replaces threonine 537 with arginine.
Molecular consequence: missense variant. On other transcripts: non-coding transcript variant (3).
Genome position (GRCh38, 1-based): chr3:160,280,721, G>C on the plus strand (C>G on the coding strand, the complement: IFT80 is on the minus strand). VCF-style: chr3-160280721-G-C. GRCh37 (hg19) VCF-style: chr3-159998509-G-C.
Other names: c.1199C>G, p.Thr400Arg (NM_001190241.2, NM_001190242.2); short protein forms T400R, T537R.
Identifiers: ClinVar variation 1398888 (VCV001398888.6), dbSNP rs149274965, ClinGen allele CA2685101.